The following is an entry in ClinVar:

NM_014780.5(CUL7):c.249C>T (p.Gly83=)

Gene: CUL7 (cullin 7; minus strand). Cytogenetic location: 6p21.1.
Variant type: single nucleotide variant.
Coding change: c.249C>T on transcript NM_014780.5 (MANE Select); coding-DNA position 249, C replaced by T.
Protein change: p.Gly83=; no amino-acid change (glycine 83 retained).
Molecular consequence: synonymous variant.
Genome position (GRCh38, 1-based): chr6:43,052,540, G>A on the plus strand (C>T on the coding strand, the complement: CUL7 is on the minus strand). VCF-style: chr6-43052540-G-A. GRCh37 (hg19) VCF-style: chr6-43020278-G-A.
Other names: c.249C>T, p.Gly83= (NM_001168370.2, NM_001374872.1, NM_001374873.1 and 1 more transcripts).
Identifiers: ClinVar variation 356857 (VCV000356857.7), dbSNP rs764168236, ClinGen allele CA3814428.

ClinVar aggregate classification (germline): Uncertain significance. Review status: criteria provided, multiple submitters, no conflicts (2 of 4 stars). 2 submissions from 2 submitters: Uncertain significance (2). Last evaluated 2018-01-13.

Conditions:
3M syndrome 1. Also called: 3-M Syndrome, CUL7-Related. Identifiers: Orphanet 2616, MedGen C2678312, MONDO:0010117, OMIM 273750.

Allele frequency attached by ClinVar (database versions not stated): gnomAD 0.00001; gnomAD exomes 0.00001 and 0.00002; TOPMed 0.00001; ExAC 0.00002.
gnomAD v4.1: 22 of 1,614,048 alleles (0.0014%); highest among the groups gnomAD compares: East Asian, 0.013%; no homozygotes.

Submissions (2):

Illumina Laboratory Services, Illumina
Classification: Uncertain significance for 3M syndrome 1. Last evaluated: 2018-01-13. Review status: criteria provided, single submitter. Criteria: ICSL Variant Classification Criteria 13 December 2019. Collection method: clinical testing. Allele origin: germline.

Juno Genomics, Hangzhou Juno Genomics, Inc
Classification: Uncertain significance for 3M syndrome 1. Review status: criteria provided, single submitter. Criteria: ACMG Guidelines, 2015. Collection method: clinical testing. Allele origin: germline.
Comment: Absent from controls (or at extremely low frequency if recessive) in Genome Aggregation Database.;Multiple lines of computational evidence support a deleterious effect on the gene or gene product.